The following is an entry in ClinVar:

ClinVar aggregate classification (germline): Pathogenic. Review status: criteria provided, multiple submitters, no conflicts (2 of 4 stars). 3 submissions from 3 submitters: Pathogenic (2). 1 of the submissions does not count toward it. Last evaluated 2023-09-27.

Conditions:
DNAH9-related disorder. Also called: DNAH9-related condition.
Non-immune hydrops fetalis (NIHF). Also called: Fetal edema; Idiopathic hydrops fetalis; Familial non-immune hydrops fetalis. Identifiers: Orphanet 363999, MedGen C0455988, MONDO:0009369, OMIM 236750, HP:0001790.

Allele frequency attached by ClinVar (database versions not stated): TOPMed below 0.00001; ExAC 0.00001; gnomAD exomes 0.00001 and 0.00002.

Submissions (3):

Labcorp Genetics (formerly Invitae), Labcorp
Classification: Pathogenic. Last evaluated: 2023-09-27. Review status: criteria provided, single submitter. Criteria: Invitae Variant Classification Sherloc (09022015). Collection method: clinical testing. Allele origin: germline.
Comment: For these reasons, this variant has been classified as Pathogenic. ClinVar contains an entry for this variant (Variation ID: 1065498). This premature translational stop signal has been observed in individual(s) with primary ciliary dyskinesia (PMID: 33027564). This variant is present in population databases (rs771595064, gnomAD 0.01%). This sequence change creates a premature translational stop signal (p.Arg995Lysfs*5) in the DNAH9 gene. It is expected to result in an absent or disrupted protein product. Loss-of-function variants in DNAH9 are known to be pathogenic (PMID: 30471718).

Genomic Medicine Lab, University of California San Francisco
Classification: Pathogenic for Non-immune hydrops fetalis. Last evaluated: 2019-08-15. Review status: criteria provided, single submitter. Criteria: ACMG Guidelines, 2015. Collection method: clinical testing. Allele origin: germline. Inheritance: Autosomal recessive inheritance. Affected: yes. Study: CSER-P3EGS.

PreventionGenetics, part of Exact Sciences
Classification: Pathogenic for DNAH9-related condition. Last evaluated: 2023-12-11. Review status: no assertion criteria provided. Collection method: clinical testing. Allele origin: germline. Not counted in ClinVar's aggregate classification.
Comment: The DNAH9 c.2984delG variant is predicted to result in a frameshift and premature protein termination (p.Arg995Lysfs*5). This variant was reported in the homozygous state in a fetus with nonimmune hydrops fetalis (Sparks et al. 2020. PubMed ID: 33027564). This variant is reported in 0.014% of alleles in individuals of Latino descent in gnomAD. Frameshift variants in DNAH9 are expected to be pathogenic. This variant is interpreted as pathogenic.

Literature cited by the submitters: PubMed 33027564 (cited by Labcorp Genetics (formerly Invitae), Labcorp); PubMed 30471718 (cited by Labcorp Genetics (formerly Invitae), Labcorp).

NM_001372.4(DNAH9):c.2984del (p.Arg995fs)

Genes: DNAH9 (dynein axonemal heavy chain 9; plus strand), LOC126862505 (BRD4-independent group 4 enhancer GRCh37_chr17:11572478-11573677; plus strand). Cytogenetic location: 17p12.
Variant type: Deletion.
Coding change: c.2984del on transcript NM_001372.4 (MANE Select); coding-DNA position 2984, one base deleted (G; older notation c.2984delG).
Protein change: p.Arg995fs; shifts the reading frame from arginine 995.
Molecular consequence: frameshift variant.
Genome position (GRCh38, 1-based): chr17:11,669,425, G deleted. VCF-style (leftmost placement, unchanged base first): chr17-11669424-AG-A. GRCh37 (hg19) VCF-style: chr17-11572741-AG-A.
Other names: short protein forms R995fs.
Identifiers: ClinVar variation 1065498 (VCV001065498.8), dbSNP rs771595064, ClinGen allele CA8395337.
Genomic context (GRCh38, chr17:11,669,424, plus strand): 5'-CCCCAGGTCGACCTGGACGGTATACCAGATTTGGCAAACATGCGGCGCACACTCATGGAG[AG>A]AGTCCAGAGAATGATGGGCCTCTGCTGTGGCTATCAGAGCACCTTCAGCCAGTATTCGTA-3'